The following is an entry in ClinVar:

NM_000548.5(TSC2):c.1635G>C (p.Leu545=)

Gene: TSC2 (TSC complex subunit 2; plus strand). Cytogenetic location: 16p13.3.
Variant type: single nucleotide variant.
Coding change: c.1635G>C on transcript NM_000548.5 (MANE Select); coding-DNA position 1635, G replaced by C.
Protein change: p.Leu545=; no amino-acid change (leucine 545 retained).
Molecular consequence: synonymous variant.
Genome position (GRCh38, 1-based): chr16:2,065,554, G>C. VCF-style: chr16-2065554-G-C. GRCh37 (hg19) VCF-style: chr16-2115555-G-C.
Other names: c.1635G>C (NM_000548.3); c.1635G>C, p.Leu545= (NM_001077183.3, NM_001114382.3, NM_001363528.2 and 3 more transcripts); c.1524G>C, p.Leu508= (NM_001318827.2); c.1488G>C, p.Leu496= (NM_001318829.2); c.1035G>C, p.Leu345= (NM_001318831.2); c.1668G>C, p.Leu556= (NM_001318832.2).
Identifiers: ClinVar variation 1091923 (VCV001091923.12), dbSNP rs755923499, ClinGen allele CA031907.
Genomic context (GRCh38, chr16:2,065,554, plus strand): 5'-GTAAGTCCTGGCCTTCTCTTCAAAGGTGATGGCCCGCTCCCTCTCCCCACCCCCGGAGCT[G>C]GAAGAAAGGGATGTGGCCGCATACTCGGCCTCCTTGGAGGATGTGAAGACAGCCGTCCTG-3'
Protein context (NP_000539.2, residues 535-555): MARSLSPPPE[Leu545=]EERDVAAYSA

ClinVar aggregate classification (germline): Benign/Likely benign. Review status: criteria provided, multiple submitters, no conflicts (2 of 4 stars). 4 submissions from 4 submitters: Benign (1); Likely benign (3). Last evaluated 2025-05-15.

Conditions:
Hereditary cancer-predisposing syndrome. Also called: Neoplastic Syndromes, Hereditary; Hereditary Cancer Syndrome; Hereditary neoplastic syndrome; Tumor predisposition. Identifiers: Orphanet 140162, MedGen C0027672, MeSH D009386, MONDO:0015356.
Tuberous sclerosis 2 (TSC2). Identifiers: Orphanet 805, MedGen C1860707, MONDO:0013199, OMIM 613254.

Allele frequency attached by ClinVar (database versions not stated): ExAC 0.00001; gnomAD exomes 0.00001.
gnomAD v4.1: 8 of 1,613,800 alleles (0.0005%); highest among the groups gnomAD compares: South Asian, 0.0088%; 1 homozygote.

Submissions (4):

Myriad Genetics, Inc.
Classification: Benign for Tuberous sclerosis 2. Last evaluated: 2025-05-15. Review status: criteria provided, single submitter. Criteria: Myriad Autosomal Dominant, Autosomal Recessive and X-Linked Classification Criteria (2023). Collection method: clinical testing. Allele origin: unknown.
Comment: This variant is considered benign. This variant is a silent/synonymous amino acid change and it is not expected to impact splicing.

Blueprint Genetics
Classification: Likely benign. Last evaluated: 2024-06-25. Review status: criteria provided, single submitter. Criteria: ACMG Guidelines, 2015. Collection method: clinical testing. Allele origin: germline.

Ambry Genetics
Classification: Likely benign for Hereditary cancer-predisposing syndrome. Last evaluated: 2023-05-21. Review status: criteria provided, single submitter. Criteria: Ambry Variant Classification Scheme 2023. Collection method: clinical testing. Allele origin: germline.

Labcorp Genetics (formerly Invitae), Labcorp
Classification: Likely benign for Tuberous sclerosis 2. Last evaluated: 2020-04-27. Review status: criteria provided, single submitter. Criteria: Invitae Variant Classification Sherloc (09022015). Collection method: clinical testing. Allele origin: germline.